The following is an entry in ClinVar:

NM_005529.7(HSPG2):c.7011C>T (p.Ala2337=)

Gene: HSPG2 (heparan sulfate proteoglycan 2; minus strand). Cytogenetic location: 1p36.12.
Variant type: single nucleotide variant.
Coding change: c.7011C>T on transcript NM_005529.7 (MANE Select); coding-DNA position 7011, C replaced by T.
Protein change: p.Ala2337=; no amino-acid change (alanine 2337 retained).
Molecular consequence: synonymous variant.
Genome position (GRCh38, 1-based): chr1:21,851,693, G>A on the plus strand (C>T on the coding strand, the complement: HSPG2 is on the minus strand). VCF-style: chr1-21851693-G-A. GRCh37 (hg19) VCF-style: chr1-22178186-G-A.
Other names: c.7014C>T, p.Ala2338= (NM_001291860.2).
Identifiers: ClinVar variation 1649388 (VCV001649388.34), dbSNP rs150649767, ClinGen allele CA671338.
Genomic context (GRCh38, chr1:21,851,693, plus strand): 5'-GGTCTGCCCTTCCGCCACTTGCGAGGAGGAGGGCTCGATGCGGATGGGCTGGGTGCTGCC[G>A]GCAGCTGAGGGATAAGATGGTCACCGGTCACTCCTGTTCTCTGAAGCCACTCCAGCCTGT-3'
Protein context (NP_005520.4, residues 2327-2347): GTQGANLAYP[Ala2337=]GSTQPIRIEP

ClinVar aggregate classification (germline): Likely benign. Review status: criteria provided, multiple submitters, no conflicts (2 of 4 stars). 4 submissions from 4 submitters: Likely benign (4). Last evaluated 2026-03-01.

Allele frequency attached by ClinVar (database versions not stated): gnomAD 0.00007 and 0.00008; ExAC 0.00008; ESP Exome Variant Server 0.00008; gnomAD exomes 0.00010 and 0.00017.
gnomAD v4.1: 254 of 1,613,812 alleles (0.016%); highest among the groups gnomAD compares: Non-Finnish European, 0.02%; no homozygotes.

Submissions (4):

CeGaT Center for Human Genetics Tuebingen
Classification: Likely benign. Last evaluated: 2026-03-01. Review status: criteria provided, single submitter. Criteria: CeGaT Center For Human Genetics Tuebingen Variant Classification Criteria Version 2. Collection method: clinical testing. Allele origin: germline. Affected: yes. Observed: 2 variant alleles.
Comment: HSPG2: BP4, BP7

Labcorp Genetics (formerly Invitae), Labcorp
Classification: Likely benign. Last evaluated: 2025-09-04. Review status: criteria provided, single submitter. Criteria: Invitae Variant Classification Sherloc (09022015). Collection method: clinical testing. Allele origin: germline.

Blueprint Genetics
Classification: Likely benign. Last evaluated: 2024-11-07. Review status: criteria provided, single submitter. Criteria: ACMG Guidelines, 2015. Collection method: clinical testing. Allele origin: germline.

ARUP Laboratories, Molecular Genetics and Genomics, ARUP Laboratories
Classification: Likely benign. Last evaluated: 2024-07-15. Review status: criteria provided, single submitter. Criteria: ARUP Molecular Germline Variant Investigation Process 2024. Collection method: clinical testing. Allele origin: germline.